The following is an entry in ClinVar:

ClinVar aggregate classification (germline): Pathogenic (1 of 4 stars; one submission).

Submission:

Labcorp Genetics (formerly Invitae), Labcorp
Classification: Pathogenic. Last evaluated: 2025-01-24. Review status: criteria provided, single submitter. Criteria: Invitae Variant Classification Sherloc (09022015). Collection method: clinical testing. Allele origin: germline.
Comment: This sequence change creates a premature translational stop signal (p.Leu286Valfs*2) in the C7 gene. It is expected to result in an absent or disrupted protein product. Loss-of-function variants in C7 are known to be pathogenic (PMID: 9856499, 17407100). This variant is not present in population databases (gnomAD no frequency). This variant has not been reported in the literature in individuals affected with C7-related conditions. For these reasons, this variant has been classified as Pathogenic.

Literature cited by the submitters: PubMed 9856499; PubMed 17407100.

NM_000587.4(C7):c.856_857del (p.Leu286fs)

Gene: C7 (complement C7; plus strand). Cytogenetic location: 5p13.1.
Variant type: Microsatellite.
Coding change: c.856_857del on transcript NM_000587.4 (MANE Select); coding-DNA positions 856 to 857, 2 bases deleted (CT; older notation c.856_857delCT).
Protein change: p.Leu286fs; shifts the reading frame from leucine 286.
Molecular consequence: frameshift variant.
Genome position (GRCh38, 1-based): chr5:40,947,719-40,947,720, CT deleted; deleting any 2 consecutive bases within chr5:40,947,715-40,947,720 gives the same sequence; the c. name uses the placement nearest the transcript's 3' end. VCF-style (leftmost placement, unchanged base first): chr5-40947714-CCT-C. GRCh37 (hg19) VCF-style: chr5-40947816-CCT-C.
Other names: short protein forms L286fs.
Identifiers: ClinVar variation 3646284 (VCV003646284.2).
Genomic context (GRCh38, chr5:40,947,714, plus strand): 5'-ATAACAATCCAGAATTTTTACAACTTGCTGAGCCATTCTGGAAGGAGCTTTCCCACCTCC[CCT>C]CTCTGTATGACTACAGTGCCTACCGAAGATTAATCGACCAGTACGGGACACATTATCTGC-3'